The following is an entry in ClinVar:

ClinVar aggregate classification (germline): Uncertain significance. Review status: criteria provided, multiple submitters, no conflicts (2 of 4 stars). 2 submissions from 2 submitters: Uncertain significance (2). Last evaluated 2024-09-20.

Conditions:
Hereditary cancer-predisposing syndrome. Also called: Neoplastic Syndromes, Hereditary; Tumor predisposition; Hereditary Cancer Syndrome; Hereditary neoplastic syndrome. Identifiers: Orphanet 140162, MedGen C0027672, MeSH D009386, MONDO:0015356.

Submissions (2):

Ambry Genetics
Classification: Uncertain significance for Hereditary cancer-predisposing syndrome. Last evaluated: 2024-09-20. Review status: criteria provided, single submitter. Criteria: Ambry Variant Classification Scheme 2023. Collection method: clinical testing. Allele origin: germline.
Comment: The p.S1255G variant (also known as c.3763A>G), located in coding exon 25 of the RAD50 gene, results from an A to G substitution at nucleotide position 3763. The serine at codon 1255 is replaced by glycine, an amino acid with similar properties. This amino acid position is conserved. In addition, the in silico prediction for this alteration is inconclusive. Based on the available evidence, the clinical significance of this variant remains unclear.

Labcorp Genetics (formerly Invitae), Labcorp
Classification: Uncertain significance for Hereditary cancer-predisposing syndrome. Last evaluated: 2022-03-23. Review status: criteria provided, single submitter. Criteria: Invitae Variant Classification Sherloc (09022015). Collection method: clinical testing. Allele origin: germline.
Comment: This sequence change replaces serine, which is neutral and polar, with glycine, which is neutral and non-polar, at codon 1255 of the RAD50 protein (p.Ser1255Gly). This variant is not present in population databases (gnomAD no frequency). This variant has not been reported in the literature in individuals affected with RAD50-related conditions. Algorithms developed to predict the effect of missense changes on protein structure and function (SIFT, PolyPhen-2, Align-GVGD) all suggest that this variant is likely to be tolerated. In summary, the available evidence is currently insufficient to determine the role of this variant in disease. Therefore, it has been classified as a Variant of Uncertain Significance.

NM_005732.4(RAD50):c.3763A>G (p.Ser1255Gly)

Genes: TH2LCRR (T helper type 2 locus control region associated RNA; minus strand), TH2-LCR (Th2 cytokine locus control region; plus strand), RAD50 (RAD50 double strand break repair protein; plus strand). Cytogenetic location: 5q31.1.
Variant type: single nucleotide variant.
Coding change: c.3763A>G on transcript NM_005732.4 (MANE Select); coding-DNA position 3763, A replaced by G.
Protein change: p.Ser1255Gly; replaces serine 1255 with glycine.
Molecular consequence: missense variant.
Genome position (GRCh38, 1-based): chr5:132,642,188, A>G. VCF-style: chr5-132642188-A-G. GRCh37 (hg19) VCF-style: chr5-131977880-A-G.
Other names: c.3763A>G (NM_005732.3); short protein forms S1255G.
Identifiers: ClinVar variation 2115918 (VCV002115918.5), dbSNP rs2479439792, ClinGen allele CA360935590.